The following is an entry in ClinVar:

ClinVar aggregate classification (germline): Uncertain significance. Review status: criteria provided, multiple submitters, no conflicts (2 of 4 stars). 6 submissions from 6 submitters: Uncertain significance (6). Last evaluated 2026-07-10.

Conditions:
DES-related disorder. Also called: DES-related condition.
Desmin-related myofibrillar myopathy (MFM1). Also called: Desmin related myopathy (former name); Desmin storage myopathy (former name); Desminopathy; MYOFIBRILLAR MYOPATHY WITH ARRHYTHMOGENIC RIGHT VENTRICULAR CARDIOMYOPATHY; DESMIN-RELATED MYOPATHY WITH ARRHYTHMOGENIC RIGHT VENTRICULAR CARDIOMYOPATHY; Myofibrillar myopathy 1. Identifiers: Orphanet 363543, Orphanet 98909, MedGen C1832370, MONDO:0011076, OMIM 601419.
Cardiovascular phenotype. Identifiers: MedGen CN230736.

Allele frequency attached by ClinVar (database versions not stated): TOPMed 0.00010; gnomAD exomes 0.00001; ESP Exome Variant Server 0.00008.
gnomAD v4.1: 17 of 1,614,116 alleles (0.0011%); highest among the groups gnomAD compares: African/African-American, 0.019%; no homozygotes.

Submissions (6):

PreventionGenetics, part of Exact Sciences
Classification: Uncertain significance for DES-related condition. Last evaluated: 2026-07-10. Review status: criteria provided, single submitter. Criteria: ACMG Guidelines, 2015. Collection method: clinical testing. Allele origin: germline.
Comment: The DES c.623T>C variant is predicted to result in the amino acid substitution p.Leu208Ser. To our knowledge, this variant has not been reported in the literature. This variant is reported in 0.0058% of alleles in individuals of Latino descent in gnomAD. At this time, the clinical significance of this variant is uncertain due to the absence of conclusive functional and genetic evidence.

Labcorp Genetics (formerly Invitae), Labcorp
Classification: Uncertain significance for Desmin-related myofibrillar myopathy. Last evaluated: 2026-01-17. Review status: criteria provided, single submitter. Criteria: Invitae Variant Classification Sherloc (09022015). Collection method: clinical testing. Allele origin: germline.
Comment: This sequence change replaces leucine, which is neutral and non-polar, with serine, which is neutral and polar, at codon 208 of the DES protein (p.Leu208Ser). This variant is present in population databases (rs373062962, gnomAD 0.006%). This variant has not been reported in the literature in individuals affected with DES-related conditions. ClinVar contains an entry for this variant (Variation ID: 421200). Invitae Evidence Modeling of protein sequence and biophysical properties (such as structural, functional, and spatial information, amino acid conservation, physicochemical variation, residue mobility, and thermodynamic stability) has been performed for this missense variant. However, the output from this modeling did not meet the statistical confidence thresholds required to predict the impact of this variant on DES protein function. In summary, the available evidence is currently insufficient to determine the role of this variant in disease. Therefore, it has been classified as a Variant of Uncertain Significance.

Ambry Genetics
Classification: Uncertain significance for Cardiovascular phenotype. Last evaluated: 2025-03-05. Review status: criteria provided, single submitter. Criteria: Ambry Variant Classification Scheme 2023. Collection method: clinical testing. Allele origin: germline.
Comment: The p.L208S variant (also known as c.623T>C), located in coding exon 2 of the DES gene, results from a T to C substitution at nucleotide position 623. The leucine at codon 208 is replaced by serine, an amino acid with dissimilar properties. This amino acid position is highly conserved in available vertebrate species. In addition, this alteration is predicted to be deleterious by in silico analysis. Since supporting evidence is limited at this time, the clinical significance of this alteration remains unclear.

Women's Health and Genetics/Laboratory Corporation of America, LabCorp
Classification: Uncertain significance. Last evaluated: 2022-05-07. Review status: criteria provided, single submitter. Criteria: LabCorp Variant Classification Summary - May 2015. Collection method: clinical testing. Allele origin: germline.

AiLife Diagnostics
Classification: Uncertain significance. Last evaluated: 2022-03-25. Review status: criteria provided, single submitter. Criteria: ACMG Guidelines, 2015. Collection method: clinical testing. Allele origin: germline. Affected: yes. Observed: 2 variant alleles.

GeneDx
Classification: Uncertain significance. Last evaluated: 2016-11-01. Review status: criteria provided, single submitter. Criteria: GeneDx Variant Classification (06012015). Collection method: clinical testing. Allele origin: germline. Affected: yes.
Comment: A variant of uncertain significance has been identified in the DES gene. The L208S variant has not been published as a pathogenic variant, nor has it been reported as a benign variant to our knowledge. The L208S variant was not observed with any significant frequency in approximately 6,500 individuals of European and African American ancestry in the NHLBI Exome Sequencing Project. The L208S variant is a non-conservative amino acid substitution, which is likely to impact secondary protein structure as these residues differ in polarity, charge, size and/or other properties. Additionally, this substitution occurs at a position that is conserved across species, and in silico analysis predicts this variant is probably damaging to the protein structure/function. Based on the currently available information, it is unclear whether this variant is a pathogenic variant or a rare benign variant.

NM_001927.4(DES):c.623T>C (p.Leu208Ser)

Gene: DES (desmin; plus strand). Cytogenetic location: 2q35.
Variant type: single nucleotide variant.
Coding change: c.623T>C on transcript NM_001927.4 (MANE Select); coding-DNA position 623, T replaced by C.
Protein change: p.Leu208Ser; replaces leucine 208 with serine.
Molecular consequence: missense variant.
Genome position (GRCh38, 1-based): chr2:219,420,139, T>C. VCF-style: chr2-219420139-T-C. GRCh37 (hg19) VCF-style: chr2-220284861-T-C.
Other names: c.623T>C (LRG_380t1); short protein forms L208S.
Identifiers: ClinVar variation 421200 (VCV000421200.16), dbSNP rs373062962, ClinGen allele CA16617479.